The following is an entry in ClinVar:

ClinVar aggregate classification (germline): Benign/Likely benign. Review status: criteria provided, multiple submitters, no conflicts (2 of 4 stars). 3 submissions from 3 submitters: Benign (1); Likely benign (2). Last evaluated 2026-03-01.

Allele frequency attached by ClinVar (database versions not stated): TOPMed 0.00012; gnomAD 0.00014; ESP Exome Variant Server 0.00031; ExAC 0.00038.
gnomAD v4.1: 276 of 1,613,716 alleles (0.017%); highest among the groups gnomAD compares: South Asian, 0.034%; 1 homozygote.

Submissions (4):

CeGaT Center for Human Genetics Tuebingen
Classification: Likely benign. Last evaluated: 2026-03-01. Review status: criteria provided, single submitter. Criteria: CeGaT Center For Human Genetics Tuebingen Variant Classification Criteria Version 2. Collection method: clinical testing. Allele origin: germline. Affected: yes. Observed: 8 variant alleles.
Comment: KCNQ5: BP4, BP7

Labcorp Genetics (formerly Invitae), Labcorp
Classification: Benign. Last evaluated: 2026-01-01. Review status: criteria provided, single submitter. Criteria: Invitae Variant Classification Sherloc (09022015). Collection method: clinical testing. Allele origin: germline.

Blueprint Genetics
Classification: Likely benign. Last evaluated: 2024-11-20. Review status: criteria provided, single submitter. Criteria: ACMG Guidelines, 2015. Collection method: clinical testing. Allele origin: germline.

Dr. Peter K. Rogan Lab, Western University
No classification provided (evidence only). Condition: Melanoma. Review status: no classification provided. Collection method: in vitro. Allele origin: not applicable. Functional consequence: retained intron. Not counted in ClinVar's aggregate classification.

NM_019842.4(KCNQ5):c.546G>A (p.Ala182=)

Gene: KCNQ5 (potassium voltage-gated channel subfamily Q member 5; plus strand). Cytogenetic location: 6q13.
Variant type: single nucleotide variant.
Coding change: c.546G>A on transcript NM_019842.4 (MANE Select); coding-DNA position 546, G replaced by A.
Protein change: p.Ala182=; no amino-acid change (alanine 182 retained).
Molecular consequence: synonymous variant.
Genome position (GRCh38, 1-based): chr6:73,041,992, G>A. VCF-style: chr6-73041992-G-A. GRCh37 (hg19) VCF-style: chr6-73751715-G-A.
Other names: c.546G>A, p.Ala182= (NM_001160130.2, NM_001160132.2, NM_001160133.2 and 1 more transcripts).
Identifiers: ClinVar variation 1335630 (VCV001335630.42), dbSNP rs139236005, ClinGen allele CA3886773.